The following is an entry in ClinVar:

NM_014141.6(CNTNAP2):c.3903G>A (p.Ala1301=)

Gene: CNTNAP2 (contactin associated protein 2; plus strand). Cytogenetic location: 7q36.1.
Variant type: single nucleotide variant.
Coding change: c.3903G>A on transcript NM_014141.6 (MANE Select); coding-DNA position 3903, G replaced by A.
Protein change: p.Ala1301=; no amino-acid change (alanine 1301 retained).
Molecular consequence: synonymous variant.
Genome position (GRCh38, 1-based): chr7:148,415,523, G>A. VCF-style: chr7-148415523-G-A. GRCh37 (hg19) VCF-style: chr7-148112615-G-A.
Identifiers: ClinVar variation 377714 (VCV000377714.41), dbSNP rs146206159, ClinGen allele CA4546837.

ClinVar aggregate classification (germline): Likely benign. Review status: criteria provided, multiple submitters, no conflicts (2 of 4 stars). 5 submissions from 5 submitters: Likely benign (5). Last evaluated 2026-01-04.

Conditions:
Cortical dysplasia-focal epilepsy syndrome (PTHSL1). Also called: Pitt-Hopkins-like syndrome 1. Identifiers: Orphanet 163681, Orphanet 221150, MedGen C2750246, MONDO:0012400, OMIM 610042.
Inborn genetic diseases. Identifiers: MedGen C0950123, MeSH D030342.

Allele frequency attached by ClinVar (database versions not stated): gnomAD exomes 0.00008 and 0.00018; ExAC 0.00015; gnomAD 0.00016; TOPMed 0.00020; 1000 Genomes Project 30x 0.00031; ESP Exome Variant Server 0.00031.
gnomAD v4.1: 141 of 1,614,202 alleles (0.0087%); highest among the groups gnomAD compares: East Asian, 0.1%; no homozygotes.

Submissions (5):

Labcorp Genetics (formerly Invitae), Labcorp
Classification: Likely benign for Cortical dysplasia-focal epilepsy syndrome. Last evaluated: 2026-01-04. Review status: criteria provided, single submitter. Criteria: Invitae Variant Classification Sherloc (09022015). Collection method: clinical testing. Allele origin: germline.

Blueprint Genetics
Classification: Likely benign. Last evaluated: 2024-10-14. Review status: criteria provided, single submitter. Criteria: ACMG Guidelines, 2015. Collection method: clinical testing. Allele origin: germline.

CeGaT Center for Human Genetics Tuebingen
Classification: Likely benign. Last evaluated: 2023-05-01. Review status: criteria provided, single submitter. Criteria: CeGaT Center For Human Genetics Tuebingen Variant Classification Criteria Version 2. Collection method: clinical testing. Allele origin: germline. Affected: yes. Observed: 1 variant allele.
Comment: CNTNAP2: BP4, BP7

GeneDx
Classification: Likely benign. Last evaluated: 2020-03-13. Review status: criteria provided, single submitter. Criteria: GeneDx Variant Classification Process June 2021. Collection method: clinical testing. Allele origin: germline. Affected: yes.

Ambry Genetics
Classification: Likely benign for Inborn genetic diseases. Last evaluated: 2016-07-01. Review status: criteria provided, single submitter. Criteria: Ambry Variant Classification Scheme 2023. Collection method: clinical testing. Allele origin: germline.